The following is an entry in ClinVar:

NM_001127222.2(CACNA1A):c.6432G>A (p.Pro2144=)

Gene: CACNA1A (calcium voltage-gated channel subunit alpha1 A; minus strand). Cytogenetic location: 19p13.13.
Variant type: single nucleotide variant.
Coding change: c.6432G>A on transcript NM_001127222.2 (MANE Select); coding-DNA position 6432, G replaced by A.
Protein change: p.Pro2144=; no amino-acid change (proline 2144 retained).
Molecular consequence: synonymous variant.
Genome position (GRCh38, 1-based): chr19:13,209,406, C>T on the plus strand (G>A on the coding strand, the complement: CACNA1A is on the minus strand). VCF-style: chr19-13209406-C-T. GRCh37 (hg19) VCF-style: chr19-13320220-C-T.
Other names: c.6450G>A, p.Pro2150= (NM_000068.4, NM_023035.3); c.6435G>A, p.Pro2145= (NM_001127221.2); c.6441G>A, p.Pro2147= (NM_001174080.2).
Identifiers: ClinVar variation 3256962 (VCV003256962.18).

ClinVar aggregate classification (germline): Likely benign. Review status: criteria provided, multiple submitters, no conflicts (2 of 4 stars). 2 submissions from 2 submitters: Likely benign (2). Last evaluated 2025-03-25.

Conditions:
Developmental and epileptic encephalopathy, 42 (DEE42A). Also called: DEVELOPMENTAL AND EPILEPTIC ENCEPHALOPATHY 42A; EPILEPTIC ENCEPHALOPATHY, EARLY INFANTILE, 42A; Epileptic encephalopathy, early infantile, 42. Identifiers: MedGen C4310716, MONDO:0014917, OMIM 617106.
Episodic ataxia type 2 (EA2). Also called: ATAXIA, EPISODIC, WITH NYSTAGMUS; ATAXIA, FAMILIAL PAROXYSMAL; CEREBELLAR ATAXIA, PAROXYSMAL, ACETAZOLAMIDE-RESPONSIVE; CEREBELLOPATHY, HEREDITARY PAROXYSMAL; EPISODIC ATAXIA, NYSTAGMUS-ASSOCIATED; ACETAZOLAMIDE-RESPONSIVE HEREDITARY PAROXYSMAL CEREBELLAR ATAXIA. Identifiers: Orphanet 97, MedGen C1720416, MONDO:0007163, OMIM 108500.

gnomAD v4.1: 7 of 1,398,526 alleles (0.0005%); highest among the groups gnomAD compares: African/African-American, 0.003%; no homozygotes.

Submissions (2):

Labcorp Genetics (formerly Invitae), Labcorp
Classification: Likely benign for Developmental and epileptic encephalopathy, 42; Episodic ataxia type 2. Last evaluated: 2025-03-25. Review status: criteria provided, single submitter. Criteria: Invitae Variant Classification Sherloc (09022015). Collection method: clinical testing. Allele origin: germline.

CeGaT Center for Human Genetics Tuebingen
Classification: Likely benign. Last evaluated: 2024-07-01. Review status: criteria provided, single submitter. Criteria: CeGaT Center For Human Genetics Tuebingen Variant Classification Criteria Version 2. Collection method: clinical testing. Allele origin: germline. Affected: yes. Observed: 1 variant allele.
Comment: CACNA1A: PM2:Supporting, BP4, BP7